The following is an entry in ClinVar:

NM_001040142.2(SCN2A):c.256A>G (p.Ile86Val)

Gene: SCN2A (sodium voltage-gated channel alpha subunit 2; plus strand). Cytogenetic location: 2q24.3.
Variant type: single nucleotide variant.
Coding change: c.256A>G on transcript NM_001040142.2 (MANE Select); coding-DNA position 256, A replaced by G.
Protein change: p.Ile86Val; replaces isoleucine 86 with valine.
Molecular consequence: missense variant.
Genome position (GRCh38, 1-based): chr2:165,296,079, A>G. VCF-style: chr2-165296079-A-G. GRCh37 (hg19) VCF-style: chr2-166152589-A-G.
Other names: c.256A>G, p.Ile86Val (NM_001371247.1, NM_021007.3, NM_001040143.2 and 1 more transcripts); short protein forms I86V.
Identifiers: ClinVar variation 4881943 (VCV004881943.2).

ClinVar aggregate classification (germline): Uncertain significance (1 of 4 stars; one submission).

Submission:

Dasa
Classification: Uncertain significance. Last evaluated: 2024-12-06. Review status: criteria provided, single submitter. Criteria: DASA Assertion Criteria. Collection method: clinical testing. Allele origin: germline.
Comment: NM_001040142.2(SCN2A):c.256A>G (p.Ile86Val) is a missense variant that results in the substitution of isoleucine with valine. This variant is absent from population databases. Computational prediction algorithms are consistent with a benign effect. The currently available literature and clinical evidence are not sufficient to establish a definitive association between this variant and the reported condition. Therefore, this variant is classified as a variant of uncertain significance.